The following is an entry in ClinVar:

ClinVar aggregate classification (germline): Uncertain significance. Review status: criteria provided, multiple submitters, no conflicts (2 of 4 stars). 2 submissions from 2 submitters: Uncertain significance (2). Last evaluated 2021-08-07.

Conditions:
Hereditary nonpolyposis colorectal neoplasms. Identifiers: MedGen C0009405, MeSH D003123.
Lynch syndrome. Identifiers: Orphanet 144, MedGen C4552100, MONDO:0005835. Disease mechanism: loss of function.

Submissions (2):

Labcorp Genetics (formerly Invitae), Labcorp
Classification: Uncertain significance for Hereditary nonpolyposis colorectal neoplasms. Last evaluated: 2021-08-07. Review status: criteria provided, single submitter. Criteria: Invitae Variant Classification Sherloc (09022015). Collection method: clinical testing. Allele origin: germline.
Comment: This sequence change replaces glutamic acid with alanine at codon 230 of the MSH6 protein (p.Glu230Ala). The glutamic acid residue is weakly conserved and there is a moderate physicochemical difference between glutamic acid and alanine. This variant is not present in population databases (ExAC no frequency). This variant has not been reported in the literature in individuals affected with MSH6-related conditions. Advanced modeling of protein sequence and biophysical properties (such as structural, functional, and spatial information, amino acid conservation, physicochemical variation, residue mobility, and thermodynamic stability) performed at Invitae indicates that this missense variant is not expected to disrupt MSH6 protein function. In summary, the available evidence is currently insufficient to determine the role of this variant in disease. Therefore, it has been classified as a Variant of Uncertain Significance.

Department of Pathology and Laboratory Medicine, Sinai Health System
Classification: Uncertain significance for Lynch syndrome. Last evaluated: 2020-10-13. Review status: criteria provided, single submitter. Criteria: ACMG Guidelines, 2015. Collection method: clinical testing. Allele origin: germline. Affected: yes.

NM_000179.3(MSH6):c.689A>C (p.Glu230Ala)

Gene: MSH6 (mutS homolog 6; plus strand). Cytogenetic location: 2p16.3.
Variant type: single nucleotide variant.
Coding change: c.689A>C on transcript NM_000179.3 (MANE Select); coding-DNA position 689, A replaced by C.
Protein change: p.Glu230Ala; replaces glutamic acid 230 with alanine.
Molecular consequence: missense variant. On other transcripts: 5 prime UTR variant (2).
Genome position (GRCh38, 1-based): chr2:47,798,672, A>C. VCF-style: chr2-47798672-A-C. GRCh37 (hg19) VCF-style: chr2-48025811-A-C.
Other names: c.299A>C, p.Glu100Ala (NM_001281492.2); c.-218A>C (NM_001281493.2, NM_001281494.2); c.689A>C (NM_000179.2); short protein forms E100A, E230A.
Identifiers: ClinVar variation 1373197 (VCV001373197.7), dbSNP rs2104291254, ClinGen allele CA346739922.